The following is an entry in ClinVar:

ClinVar aggregate classification (germline): Benign/Likely benign. Review status: criteria provided, multiple submitters, no conflicts (2 of 4 stars). 9 submissions from 8 submitters: Benign (6); Likely benign (3). Last evaluated 2026-01-28.

Conditions:
Charcot-Marie-Tooth disease. Also called: Charcot-Marie-Tooth Neuropathy; Charcot-Marie-Tooth Hereditary Neuropathy. Identifiers: Orphanet 166, MedGen C0007959, MONDO:0015626.
Charcot-Marie-Tooth disease type 4. Also called: Charcot-Marie-Tooth, Type 4; Charcot-Marie-Tooth disease, type IV. Identifiers: Orphanet 64749, MedGen C4082197, MONDO:0018995.
Charcot-Marie-Tooth disease type 4C (CMT4C). Also called: CMT 4C; Charcot-Marie-Tooth Neuropathy Type 4C (CMT4C); SH3TC2-Related Hereditary Motor and Sensory Neuropathy; CHARCOT-MARIE-TOOTH DISEASE, DEMYELINATING, AUTOSOMAL RECESSIVE, TYPE 4C; CHARCOT-MARIE-TOOTH DISEASE, DEMYELINATING, TYPE 4C. Identifiers: Orphanet 99949, MedGen C1866636, MONDO:0011113, OMIM 601596.
Susceptibility to mononeuropathy of the median nerve, mild. Also called: CARPAL TUNNEL SYNDROME, SUSCEPTIBILITY TO. Identifiers: MedGen C3150596, MONDO:0013237, OMIM 613353.

Allele frequency attached by ClinVar (database versions not stated): gnomAD exomes 0.00048 and 0.00137; ExAC 0.00173; gnomAD 0.00462 and 0.00494; TOPMed 0.00522; ESP Exome Variant Server 0.00546; 1000 Genomes Project 0.00739; 1000 Genomes Project 30x 0.00765.
gnomAD v4.1: 1,432 of 1,614,204 alleles (0.089%); highest among the groups gnomAD compares: African/African-American, 1.7%; 11 homozygotes.

Submissions (9):

Labcorp Genetics (formerly Invitae), Labcorp
Classification: Benign for Charcot-Marie-Tooth disease type 4. Last evaluated: 2026-01-28. Review status: criteria provided, single submitter. Criteria: Invitae Variant Classification Sherloc (09022015). Collection method: clinical testing. Allele origin: germline.

Blueprint Genetics
Classification: Likely benign. Last evaluated: 2024-10-09. Review status: criteria provided, single submitter. Criteria: ACMG Guidelines, 2015. Collection method: clinical testing. Allele origin: germline.

Mayo Clinic Laboratories, Mayo Clinic
Classification: Benign. Last evaluated: 2019-09-23. Review status: criteria provided, single submitter. Criteria: ACMG Guidelines, 2015. Collection method: clinical testing. Allele origin: germline. Observed: 3 variant alleles.

Athena Diagnostics
Classification: Benign. Last evaluated: 2018-10-31. Review status: criteria provided, single submitter. Criteria: Athena Diagnostics Criteria. Collection method: clinical testing. Allele origin: germline.

GeneDx
Classification: Benign. Last evaluated: 2018-04-25. Review status: criteria provided, single submitter. Criteria: GeneDx Variant Classification Process June 2021. Collection method: clinical testing. Allele origin: germline. Affected: yes.

Illumina Laboratory Services, Illumina
Classification: Benign for Susceptibility to mononeuropathy of the median nerve, mild. Last evaluated: 2018-01-13. Review status: criteria provided, single submitter. Criteria: ICSL Variant Classification Criteria 13 December 2019. Collection method: clinical testing. Allele origin: germline.
Comment: This variant was observed in the ICSL laboratory as part of a predisposition screen in an ostensibly healthy population. It had not been previously curated by ICSL or reported in the Human Gene Mutation Database (HGMD: prior to June 1st, 2018), and was therefore a candidate for classification through an automated scoring system. Utilizing variant allele frequency, disease prevalence and penetrance estimates, and inheritance mode, an automated score was calculated to assess if this variant is too frequent to cause the disease. Based on the score and internal cut-off values, a variant classified as benign is not then subjected to further curation. The score for this variant resulted in a classification of benign for this disease.

Illumina Laboratory Services, Illumina
Classification: Benign for Charcot-Marie-Tooth disease type 4C. Last evaluated: 2018-01-13. Review status: criteria provided, single submitter. Criteria: ICSL Variant Classification Criteria 13 December 2019. Collection method: clinical testing. Allele origin: germline.
Comment: the same text as in the submission from Illumina Laboratory Services, Illumina above.

Breakthrough Genomics
Classification: Likely benign. Review status: criteria provided, single submitter. Criteria: ACMG Guidelines, 2015. Collection method: not provided. Allele origin: germline. Inheritance: Autosomal recessive inheritance. Affected: yes.

Molecular Genetics Laboratory, London Health Sciences Centre
Classification: Likely benign for Charcot-Marie-Tooth disease. Review status: criteria provided, single submitter. Criteria: ACMG Guidelines, 2015. Collection method: clinical testing. Allele origin: germline. Affected: yes.

NM_024577.4(SH3TC2):c.2691C>G (p.Asn897Lys)

Gene: SH3TC2 (SH3 domain and tetratricopeptide repeats 2; minus strand). Cytogenetic location: 5q32.
Variant type: single nucleotide variant.
Coding change: c.2691C>G on transcript NM_024577.4 (MANE Select); coding-DNA position 2691, C replaced by G.
Protein change: p.Asn897Lys; replaces asparagine 897 with lysine.
Molecular consequence: missense variant.
Genome position (GRCh38, 1-based): chr5:149,027,041, G>C on the plus strand (C>G on the coding strand, the complement: SH3TC2 is on the minus strand). VCF-style: chr5-149027041-G-C. GRCh37 (hg19) VCF-style: chr5-148406604-G-C.
Other names: p.Asn897Lys; short protein forms N897K.
Identifiers: ClinVar variation 188311 (VCV000188311.22), dbSNP rs73795753, ClinGen allele CA334582.